The following is an entry in ClinVar:

ClinVar aggregate classification (germline): Uncertain significance. Review status: criteria provided, multiple submitters, no conflicts (2 of 4 stars). 2 submissions from 2 submitters: Uncertain significance (2). Last evaluated 2024-10-24.

Submissions (2):

Greenwood Genetic Center Diagnostic Laboratories, Greenwood Genetic Center
Classification: Uncertain significance. Last evaluated: 2024-10-24. Review status: criteria provided, single submitter. Criteria: ACMG Guidelines, 2015. Collection method: clinical testing. Allele origin: germline. Affected: yes.
Comment: PM2, PP2, PP3

Labcorp Genetics (formerly Invitae), Labcorp
Classification: Uncertain significance. Last evaluated: 2023-07-14. Review status: criteria provided, single submitter. Criteria: Invitae Variant Classification Sherloc (09022015). Collection method: clinical testing. Allele origin: germline.
Comment: In summary, the available evidence is currently insufficient to determine the role of this variant in disease. Therefore, it has been classified as a Variant of Uncertain Significance. Advanced modeling of protein sequence and biophysical properties (such as structural, functional, and spatial information, amino acid conservation, physicochemical variation, residue mobility, and thermodynamic stability) performed at Invitae indicates that this missense variant is expected to disrupt CLCN4 protein function. ClinVar contains an entry for this variant (Variation ID: 2107644). This variant has not been reported in the literature in individuals affected with CLCN4-related conditions. This variant is not present in population databases (gnomAD no frequency). This sequence change replaces histidine, which is basic and polar, with arginine, which is basic and polar, at codon 575 of the CLCN4 protein (p.His575Arg).

NM_001830.4(CLCN4):c.1724A>G (p.His575Arg)

Gene: CLCN4 (chloride voltage-gated channel 4; plus strand). Cytogenetic location: Xp22.2.
Variant type: single nucleotide variant.
Coding change: c.1724A>G on transcript NM_001830.4 (MANE Select); coding-DNA position 1724, A replaced by G.
Protein change: p.His575Arg; replaces histidine 575 with arginine.
Molecular consequence: missense variant.
Genome position (GRCh38, 1-based): chrX:10,213,828, A>G. VCF-style: chrX-10213828-A-G. GRCh37 (hg19) VCF-style: chrX-10181868-A-G.
Other names: c.1442A>G, p.His481Arg (NM_001256944.2); short protein forms H481R, H575R.
Identifiers: ClinVar variation 2107644 (VCV002107644.5), dbSNP rs2518889495, ClinGen allele CA412041906.